The following is an entry in ClinVar:

NM_058216.3(RAD51C):c.670dup (p.Tyr224fs)

Genes: RAD51C (RAD51 paralog C; plus strand), LOC129390903 (MPRA-validated peak2919 silencer; plus strand). Cytogenetic location: 17q22.
Variant type: Duplication.
Coding change: c.670dup on transcript NM_058216.3 (MANE Select); coding-DNA position 670, one base duplicated (T; older notation c.670dupT).
Protein change: p.Tyr224fs; shifts the reading frame from tyrosine 224.
Molecular consequence: frameshift variant. On other transcripts: non-coding transcript variant (1).
Genome position (GRCh38, 1-based): chr17:58,703,294, T duplicated; the last of 3 consecutive T bases (chr17:58,703,292-58,703,294); duplicating any one gives the same sequence. VCF-style (leftmost placement, unchanged base first): chr17-58703291-G-GT. GRCh37 (hg19) VCF-style: chr17-56780652-G-GT.
Other names: short protein forms Y224fs.
Identifiers: ClinVar variation 4812978 (VCV004812978.1).
Genomic context (GRCh38, chr17:58,703,291, plus strand): 5'-AATATTCTTTCTCATATTTATTATTTTCGCTGTCGTGACTACACAGAGTTACTGGCACAA[G>GT]TTTATCTTCTTCCAGATTTCCTTTCAGAACACTCAAAGGTATGAGTCAGACTACTGAAAT-3'

ClinVar aggregate classification (germline): Pathogenic (1 of 4 stars; one submission).

Conditions:
Breast-ovarian cancer, familial, susceptibility to, 3. Also called: RAD51C-Related Breast/Ovarian Cancer. Identifiers: Orphanet 145, MedGen C3150659, MONDO:0013253, OMIM 613399.

Submission:

Myriad Genetics, Inc.
Classification: Pathogenic for Breast-ovarian cancer, familial, susceptibility to, 3. Last evaluated: 2025-10-21. Review status: criteria provided, single submitter. Criteria: Myriad Autosomal Dominant, Autosomal Recessive and X-Linked Classification Criteria (2023). Collection method: clinical testing. Allele origin: unknown.
Comment: This variant is considered pathogenic. This variant creates a frameshift predicted to result in premature protein truncation.